The following is an entry in ClinVar:

NM_000179.3(MSH6):c.224G>C (p.Gly75Ala)

Gene: MSH6 (mutS homolog 6; plus strand). Cytogenetic location: 2p16.3.
Variant type: single nucleotide variant.
Coding change: c.224G>C on transcript NM_000179.3 (MANE Select); coding-DNA position 224, G replaced by C.
Protein change: p.Gly75Ala; replaces glycine 75 with alanine.
Molecular consequence: missense variant. On other transcripts: 5 prime UTR variant (1).
Genome position (GRCh38, 1-based): chr2:47,783,457, G>C. VCF-style: chr2-47783457-G-C. GRCh37 (hg19) VCF-style: chr2-48010596-G-C.
Other names: c.224G>C, p.Gly75Ala (NM_001281492.2); c.-513G>C (NM_001281493.2); short protein forms G75A.
Identifiers: ClinVar variation 820964 (VCV000820964.5), dbSNP rs1572698482, ClinGen allele CA346735091.
Genomic context (GRCh38, chr2:47,783,457, plus strand): 5'-CTGGGCCCAGGCCCTTGGCGCGCTCCGCGTCACCGCCCAAGGCGAAGAACCTCAACGGAG[G>C]GCTGCGGAGATCGGTAGCGCCTGCTGCCCCCACCAGGTAGCGGGGTGGGGGTGGGGTCGA-3'
Protein context (NP_000170.1, residues 65-85): SPPKAKNLNG[Gly75Ala]LRRSVAPAAP

ClinVar aggregate classification (germline): Uncertain significance (1 of 4 stars; one submission).

Conditions:
Hereditary cancer-predisposing syndrome. Also called: Neoplastic Syndromes, Hereditary; Tumor predisposition; Hereditary Cancer Syndrome; Hereditary neoplastic syndrome. Identifiers: Orphanet 140162, MedGen C0027672, MeSH D009386, MONDO:0015356.

gnomAD v4.1: 1 of 1,467,274 alleles (0.000068%); highest among the groups gnomAD compares: Non-Finnish European, 0.00009%; no homozygotes.

Submission:

Ambry Genetics
Classification: Uncertain significance for Hereditary cancer-predisposing syndrome. Last evaluated: 2025-07-23. Review status: criteria provided, single submitter. Criteria: Ambry Variant Classification Scheme 2023. Collection method: clinical testing. Allele origin: germline.
Comment: The p.G75A variant (also known as c.224G>C), located in coding exon 1 of the MSH6 gene, results from a G to C substitution at nucleotide position 224. The glycine at codon 75 is replaced by alanine, an amino acid with similar properties. This amino acid position is not well conserved in available vertebrate species. In addition, this alteration is predicted to be tolerated by in silico analysis. Based on the available evidence, the clinical significance of this variant remains unclear.